The following is an entry in ClinVar:

ClinVar aggregate classification (germline): Uncertain significance. Review status: criteria provided, multiple submitters, no conflicts (2 of 4 stars). 2 submissions from 2 submitters: Uncertain significance (2). Last evaluated 2025-07-08.

Conditions:
Aortic aneurysm, familial thoracic 4 (AAT4). Also called: AORTIC ANEURYSM/AORTIC DISSECTION AND PATENT DUCTUS ARTERIOSUS. Identifiers: MedGen C1851504, MONDO:0007568, OMIM 132900.

Submissions (2):

GeneDx
Classification: Uncertain significance. Last evaluated: 2025-07-08. Review status: criteria provided, single submitter. Criteria: GeneDx Variant Classification Process June 2021. Collection method: clinical testing. Allele origin: germline. Affected: yes.
Comment: Not observed at significant frequency in large population cohorts (gnomAD); In silico analysis suggests that this missense variant does not alter protein structure/function; Has not been previously published as pathogenic or benign to our knowledge; This variant is associated with the following publications: (PMID: 21529752)

Labcorp Genetics (formerly Invitae), Labcorp
Classification: Uncertain significance for Aortic aneurysm, familial thoracic 4. Last evaluated: 2022-01-15. Review status: criteria provided, single submitter. Criteria: Invitae Variant Classification Sherloc (09022015). Collection method: clinical testing. Allele origin: germline.
Comment: This sequence change replaces asparagine, which is neutral and polar, with lysine, which is basic and polar, at codon 1594 of the MYH11 protein (p.Asn1594Lys). This variant is not present in population databases (gnomAD no frequency). This variant has not been reported in the literature in individuals affected with MYH11-related conditions. ClinVar contains an entry for this variant (Variation ID: 857992). Algorithms developed to predict the effect of missense changes on protein structure and function are either unavailable or do not agree on the potential impact of this missense change (SIFT: "Deleterious"; PolyPhen-2: "Benign"; Align-GVGD: "Class C0"). In summary, the available evidence is currently insufficient to determine the role of this variant in disease. Therefore, it has been classified as a Variant of Uncertain Significance.

NM_002474.3(MYH11):c.4761T>G (p.Asn1587Lys)

Genes: NDE1 (nudE neurodevelopment protein 1; plus strand), MYH11 (myosin heavy chain 11; minus strand). Cytogenetic location: 16p13.11.
Variant type: single nucleotide variant.
Coding change: c.4761T>G on transcript NM_002474.3 (MANE Select); coding-DNA position 4761, T replaced by G.
Protein change: p.Asn1587Lys; replaces asparagine 1587 with lysine.
Molecular consequence: missense variant. On other transcripts: intron variant (2).
Genome position (GRCh38, 1-based): chr16:15,720,869, A>C on the plus strand (T>G on the coding strand, the complement: MYH11 is on the minus strand). VCF-style: chr16-15720869-A-C. GRCh37 (hg19) VCF-style: chr16-15814726-A-C.
Other names: c.4761T>G (NM_002474.2); c.4782T>G, p.Asn1594Lys (NM_001040113.2, NM_001040114.2); c.4761T>G, p.Asn1587Lys (NM_022844.3); c.948-3322A>C (NM_001143979.2, NM_017668.3); short protein forms N1594K, N1587K.
Identifiers: ClinVar variation 857992 (VCV000857992.10), dbSNP rs376132003, ClinGen allele CA394853463.